The following is an entry in ClinVar:

ClinVar aggregate classification (germline): Uncertain significance. Review status: criteria provided, multiple submitters, no conflicts (2 of 4 stars). 2 submissions from 2 submitters: Uncertain significance (2). Last evaluated 2024-07-13.

Conditions:
Hereditary cancer-predisposing syndrome. Also called: Hereditary neoplastic syndrome; Neoplastic Syndromes, Hereditary; Tumor predisposition; Hereditary Cancer Syndrome. Identifiers: Orphanet 140162, MedGen C0027672, MeSH D009386, MONDO:0015356.

Submissions (2):

Ambry Genetics
Classification: Uncertain significance for Hereditary cancer-predisposing syndrome. Last evaluated: 2024-07-13. Review status: criteria provided, single submitter. Criteria: Ambry Variant Classification Scheme 2023. Collection method: clinical testing. Allele origin: germline.
Comment: The p.D261H variant (also known as c.781G>C), located in coding exon 7 of the PMS2 gene, results from a G to C substitution at nucleotide position 781. The aspartic acid at codon 261 is replaced by histidine, an amino acid with similar properties. This amino acid position is conserved. In addition, the in silico prediction for this alteration is inconclusive. Based on the available evidence, the clinical significance of this variant remains unclear.

GeneDx
Classification: Uncertain significance. Last evaluated: 2019-09-06. Review status: criteria provided, single submitter. Criteria: GeneDx Variant Classification Process June 2021. Collection method: clinical testing. Allele origin: germline. Affected: yes.
Comment: Not observed in large population cohorts (Lek 2016); In silico analysis, which includes protein predictors and evolutionary conservation, supports a deleterious effect; Has not been previously published as pathogenic or benign to our knowledge

NM_000535.7(PMS2):c.781G>C (p.Asp261His)

Gene: PMS2 (PMS1 homolog 2, mismatch repair system component; minus strand). Cytogenetic location: 7p22.1.
Variant type: single nucleotide variant.
Coding change: c.781G>C on transcript NM_000535.7 (MANE Select); coding-DNA position 781, G replaced by C.
Protein change: p.Asp261His; replaces aspartic acid 261 with histidine.
Molecular consequence: missense variant. On other transcripts: non-coding transcript variant (1), 5 prime UTR variant (2).
Genome position (GRCh38, 1-based): chr7:5,997,348, C>G on the plus strand (G>C on the coding strand, the complement: PMS2 is on the minus strand). VCF-style: chr7-5997348-C-G. GRCh37 (hg19) VCF-style: chr7-6036979-C-G.
Other names: c.208G>C, p.Asp70His (NM_001322013.2); c.781G>C, p.Asp261His (NM_001322014.2, NM_001322006.2); c.472G>C, p.Asp158His (NM_001322015.2); c.376G>C, p.Asp126His (NM_001322003.2, NM_001322004.2, NM_001322005.2 and 2 more transcripts); c.463G>C, p.Asp155His (NM_001322007.2, NM_001322008.2); c.-153G>C (NM_001322011.2, NM_001322012.2); short protein forms D126H, D155H, D158H, D261H, D70H.
Identifiers: ClinVar variation 1316218 (VCV001316218.3), dbSNP rs1060503150, ClinGen allele CA366743646.